The following is an entry in ClinVar:

NM_001163435.3(TBCK):c.597+4T>A

Gene: TBCK (TBC1 domain containing kinase; minus strand). Cytogenetic location: 4q24.
Variant type: single nucleotide variant.
Coding change: c.597+4T>A on transcript NM_001163435.3 (MANE Select); 4 bases into the intron after coding-DNA position 597, T replaced by A.
Molecular consequence: intron variant.
Genome position (GRCh38, 1-based): chr4:106,251,862, A>T on the plus strand (T>A on the coding strand, the complement: TBCK is on the minus strand). VCF-style: chr4-106251862-A-T. GRCh37 (hg19) VCF-style: chr4-107173019-A-T.
Other names: c.597+4T>A (NM_001163436.4); c.408+4T>A (NM_033115.5); c.480+121T>A (NM_001163437.3); c.81+4T>A (NM_001290768.2).
Identifiers: ClinVar variation 2123494 (VCV002123494.4), dbSNP rs1193940739, ClinGen allele CA2580071356.

ClinVar aggregate classification (germline): Uncertain significance (1 of 4 stars; one submission).

Submission:

Labcorp Genetics (formerly Invitae), Labcorp
Classification: Uncertain significance. Last evaluated: 2022-05-28. Review status: criteria provided, single submitter. Criteria: Invitae Variant Classification Sherloc (09022015). Collection method: clinical testing. Allele origin: germline.
Comment: This sequence change falls in intron 6 of the TBCK gene. It does not directly change the encoded amino acid sequence of the TBCK protein. It affects a nucleotide within the consensus splice site. This variant is not present in population databases (gnomAD no frequency). This variant has not been reported in the literature in individuals affected with TBCK-related conditions. Variants that disrupt the consensus splice site are a relatively common cause of aberrant splicing (PMID: 17576681, 9536098). Algorithms developed to predict the effect of sequence changes on RNA splicing suggest that this variant may disrupt the consensus splice site. In summary, the available evidence is currently insufficient to determine the role of this variant in disease. Therefore, it has been classified as a Variant of Uncertain Significance.

Literature cited by the submitters: PubMed 17576681; PubMed 9536098.